The following is an entry in ClinVar:

NM_001042681.2(RERE):c.2036C>T (p.Ser679Leu)

Gene: RERE (arginine-glutamic acid dipeptide repeats; minus strand). Cytogenetic location: 1p36.23.
Variant type: single nucleotide variant.
Coding change: c.2036C>T on transcript NM_001042681.2 (MANE Select); coding-DNA position 2036, C replaced by T.
Protein change: p.Ser679Leu; replaces serine 679 with leucine.
Molecular consequence: missense variant.
Genome position (GRCh38, 1-based): chr1:8,361,471, G>A on the plus strand (C>T on the coding strand, the complement: RERE is on the minus strand). VCF-style: chr1-8361471-G-A. GRCh37 (hg19) VCF-style: chr1-8421531-G-A.
Other names: c.374C>T, p.Ser125Leu (NM_001042682.2); c.2036C>T, p.Ser679Leu (NM_012102.4); short protein forms S125L, S679L.
Identifiers: ClinVar variation 2500382 (VCV002500382.2), dbSNP rs1251921269, ClinGen allele CA338173432.
Genomic context (GRCh38, chr1:8,361,471, plus strand): 5'-CTGCTACCCTCATCGTTGACGCTGCGACTGTCTGAACTCTCTCCCTCACCTTCAGATGGC[G>A]AGTTGGGCCTGCTGATCTCCTGGAGTCAGAGAAGGGAAGGATGGAAGTCCCAGGAGGGCA-3'
Protein context (NP_001036146.1, residues 669-689): TKTQEISRPN[Ser679Leu]PSEGEGESSD

ClinVar aggregate classification (germline): Uncertain significance (1 of 4 stars; one submission).

Allele frequency attached by ClinVar (database versions not stated): gnomAD exomes 0.00001.
gnomAD v4.1: 7 of 1,612,172 alleles (0.00043%); highest among the groups gnomAD compares: East Asian, 0.0022%; no homozygotes.

Submission:

GeneDx
Classification: Uncertain significance. Last evaluated: 2026-05-02. Review status: criteria provided, single submitter. Criteria: GeneDx Variant Classification Process June 2021. Collection method: clinical testing. Allele origin: germline.
Comment: Not observed at significant frequency in large population cohorts (gnomAD); In silico analysis supports that this missense variant has a deleterious effect on protein structure/function; Has not been previously published as pathogenic or benign to our knowledge